The following is an entry in ClinVar:

ClinVar aggregate classification (germline): Likely benign. Review status: criteria provided, single submitter (1 of 4 stars). 2 submissions from 2 submitters: Likely benign (1). 1 of the submissions does not count toward it. Last evaluated 2025-09-08.

Conditions:
Congenital adrenal hyperplasia due to cytochrome P450 oxidoreductase deficiency. Also called: DISORDERED STEROIDOGENESIS DUE TO POR DEFICIENCY. Identifiers: Orphanet 95699, MedGen C1860042, MONDO:0013310, OMIM 613571.
POR-related disorder. Also called: POR-related condition.

Allele frequency attached by ClinVar (database versions not stated): TOPMed 0.00010; gnomAD exomes 0.00026; ExAC 0.00043.

Submissions (2):

Labcorp Genetics (formerly Invitae), Labcorp
Classification: Likely benign for Congenital adrenal hyperplasia due to cytochrome P450 oxidoreductase deficiency. Last evaluated: 2025-09-08. Review status: criteria provided, single submitter. Criteria: Invitae Variant Classification Sherloc (09022015). Collection method: clinical testing. Allele origin: germline.

PreventionGenetics, part of Exact Sciences
Classification: Likely benign for POR-related condition. Last evaluated: 2023-05-03. Review status: no assertion criteria provided. Collection method: clinical testing. Allele origin: germline. Not counted in ClinVar's aggregate classification.
Comment: This variant is classified as likely benign based on ACMG/AMP sequence variant interpretation guidelines (Richards et al. 2015 PMID: 25741868, with internal and published modifications).

NM_001395413.1(POR):c.522G>T (p.Gly174=)

Gene: POR (cytochrome p450 oxidoreductase; plus strand). Cytogenetic location: 7q11.23.
Variant type: single nucleotide variant.
Coding change: c.522G>T on transcript NM_001395413.1 (MANE Select); coding-DNA position 522, G replaced by T.
Protein change: p.Gly174=; no amino-acid change (glycine 174 retained).
Molecular consequence: synonymous variant.
Genome position (GRCh38, 1-based): chr7:75,981,062, G>T. VCF-style: chr7-75981062-G-T. GRCh37 (hg19) VCF-style: chr7-75610380-G-T.
Other names: c.522G>T, p.Gly174= (NM_001367562.3, NM_001382657.2, NM_001382658.3 and 2 more transcripts); c.576G>T, p.Gly192= (NM_001382655.3).
Identifiers: ClinVar variation 707201 (VCV000707201.11), dbSNP rs72557913, ClinGen allele CA4303719.